The following is an entry in ClinVar:

ClinVar aggregate classification (germline): Uncertain significance (1 of 4 stars; one submission).

Conditions:
RASopathy. Also called: Noonan spectrum disorder; rasopathies. Identifiers: Orphanet 536391, MedGen C5555857, MONDO:0021060.

Allele frequency attached by ClinVar (database versions not stated): gnomAD exomes below 0.00001.
gnomAD v4.1: 1 of 1,614,128 alleles (0.000062%); highest among the groups gnomAD compares: Non-Finnish European, 0.000085%; no homozygotes.

Submission:

Labcorp Genetics (formerly Invitae), Labcorp
Classification: Uncertain significance for RASopathy. Last evaluated: 2024-09-06. Review status: criteria provided, single submitter. Criteria: Invitae Variant Classification Sherloc (09022015). Collection method: clinical testing. Allele origin: germline.
Comment: This sequence change replaces serine, which is neutral and polar, with cysteine, which is neutral and slightly polar, at codon 499 of the PTPN11 protein (p.Ser499Cys). This variant is present in population databases (no rsID available, gnomAD 0.0009%). This variant has not been reported in the literature in individuals affected with PTPN11-related conditions. Invitae Evidence Modeling of protein sequence and biophysical properties (such as structural, functional, and spatial information, amino acid conservation, physicochemical variation, residue mobility, and thermodynamic stability) has been performed for this missense variant. However, the output from this modeling did not meet the statistical confidence thresholds required to predict the impact of this variant on PTPN11 protein function. In summary, the available evidence is currently insufficient to determine the role of this variant in disease. Therefore, it has been classified as a Variant of Uncertain Significance.

NM_002834.5(PTPN11):c.1496C>G (p.Ser499Cys)

Gene: PTPN11 (protein tyrosine phosphatase non-receptor type 11; plus strand). Cytogenetic location: 12q24.13.
Variant type: single nucleotide variant.
Coding change: c.1496C>G on transcript NM_002834.5 (MANE Select); coding-DNA position 1496, C replaced by G.
Protein change: p.Ser499Cys; replaces serine 499 with cysteine.
Molecular consequence: missense variant.
Genome position (GRCh38, 1-based): chr12:112,489,072, C>G. VCF-style: chr12-112489072-C-G. GRCh37 (hg19) VCF-style: chr12-112926876-C-G.
Other names: c.1508C>G, p.Ser503Cys (NM_001330437.2); c.1493C>G, p.Ser498Cys (NM_001374625.1); short protein forms S499C, S498C, S503C.
Identifiers: ClinVar variation 2903027 (VCV002903027.3), dbSNP rs1264992160, ClinGen allele CA386779815.